The following is an entry in ClinVar:

ClinVar aggregate classification (germline): Uncertain significance. Review status: criteria provided, multiple submitters, no conflicts (2 of 4 stars). 2 submissions from 2 submitters: Uncertain significance (2). Last evaluated 2025-08-17.

Conditions:
Hereditary cancer-predisposing syndrome. Also called: Tumor predisposition; Hereditary neoplastic syndrome; Neoplastic Syndromes, Hereditary; Hereditary Cancer Syndrome. Identifiers: Orphanet 140162, MedGen C0027672, MeSH D009386, MONDO:0015356.

Allele frequency attached by ClinVar (database versions not stated): gnomAD exomes below 0.00001; ExAC 0.00001; gnomAD 0.00001; TOPMed 0.00002; ESP Exome Variant Server 0.00008.
gnomAD v4.1: 3 of 1,589,528 alleles (0.00019%); highest among the groups gnomAD compares: African/African-American, 0.0027%; no homozygotes.

Submissions (2):

Labcorp Genetics (formerly Invitae), Labcorp
Classification: Uncertain significance. Last evaluated: 2025-08-17. Review status: criteria provided, single submitter. Criteria: Invitae Variant Classification Sherloc (09022015). Collection method: clinical testing. Allele origin: germline.
Comment: This sequence change replaces glycine, which is neutral and non-polar, with aspartic acid, which is acidic and polar, at codon 1668 of the POLE protein (p.Gly1668Asp). This variant is present in population databases (rs368735471, gnomAD 0.007%). This variant has not been reported in the literature in individuals affected with POLE-related conditions. ClinVar contains an entry for this variant (Variation ID: 2061836). Invitae Evidence Modeling of protein sequence and biophysical properties (such as structural, functional, and spatial information, amino acid conservation, physicochemical variation, residue mobility, and thermodynamic stability) indicates that this missense variant is expected to disrupt POLE protein function with a positive predictive value of 80%. In summary, the available evidence is currently insufficient to determine the role of this variant in disease. Therefore, it has been classified as a Variant of Uncertain Significance.

Ambry Genetics
Classification: Uncertain significance for Hereditary cancer-predisposing syndrome. Last evaluated: 2025-08-15. Review status: criteria provided, single submitter. Criteria: Ambry Variant Classification Scheme 2023. Collection method: clinical testing. Allele origin: germline.
Comment: The p.G1668D variant (also known as c.5003G>A), located in coding exon 38 of the POLE gene, results from a G to A substitution at nucleotide position 5003. The glycine at codon 1668 is replaced by aspartic acid, an amino acid with similar properties. This amino acid position is conserved. In addition, this alteration is predicted to be deleterious by in silico analysis. Since supporting evidence is limited at this time, the clinical significance of this alteration remains unclear.

NM_006231.4(POLE):c.5003G>A (p.Gly1668Asp)

Gene: POLE (DNA polymerase epsilon, catalytic subunit; minus strand). Cytogenetic location: 12q24.33.
Variant type: single nucleotide variant.
Coding change: c.5003G>A on transcript NM_006231.4 (MANE Select); coding-DNA position 5003, G replaced by A.
Protein change: p.Gly1668Asp; replaces glycine 1668 with aspartic acid.
Molecular consequence: missense variant.
Genome position (GRCh38, 1-based): chr12:132,642,347, C>T on the plus strand (G>A on the coding strand, the complement: POLE is on the minus strand). VCF-style: chr12-132642347-C-T. GRCh37 (hg19) VCF-style: chr12-133218933-C-T.
Other names: c.5003G>A (NM_006231.2); short protein forms G1668D.
Identifiers: ClinVar variation 2061836 (VCV002061836.7), dbSNP rs368735471, ClinGen allele CA6892641.